The following is an entry in ClinVar:

NM_004082.5(DCTN1):c.316C>T (p.Pro106Ser)

Gene: DCTN1 (dynactin subunit 1; minus strand). Cytogenetic location: 2p13.1.
Variant type: single nucleotide variant.
Coding change: c.316C>T on transcript NM_004082.5 (MANE Select); coding-DNA position 316, C replaced by T.
Protein change: p.Pro106Ser; replaces proline 106 with serine.
Molecular consequence: missense variant. On other transcripts: non-coding transcript variant (1).
Genome position (GRCh38, 1-based): chr2:74,377,690, G>A on the plus strand (C>T on the coding strand, the complement: DCTN1 is on the minus strand). VCF-style: chr2-74377690-G-A. GRCh37 (hg19) VCF-style: chr2-74604817-G-A.
Other names: c.316C>T, p.Pro106Ser (NM_001135040.3, NM_001190837.2); c.265C>T, p.Pro89Ser (NM_001190836.2, NM_001378991.1, NM_001378992.1); short protein forms P106S, P89S.
Identifiers: ClinVar variation 3080647 (VCV003080647.2), dbSNP rs2529213070, ClinGen allele CA347321200.
Genomic context (GRCh38, chr2:74,377,690, plus strand): 5'-TAAGTGGGTGGTTGTTACCTCTTTTGAGGACTTTTGAAGCAGAAGAATCAGGTGTCTCTG[G>A]GGAAGTAGTATCTGCTCCATCTTCAAATACCTGGATCTGAGGCCAGATTCAATATAGCCA-3'
Protein context (NP_004073.2, residues 96-116): VFEDGADTTS[Pro106Ser]ETPDSSASKV

ClinVar aggregate classification (germline): Uncertain significance. Review status: criteria provided, multiple submitters, no conflicts (2 of 4 stars). 2 submissions from 2 submitters: Uncertain significance (2). Last evaluated 2025-03-20.

Conditions:
Inborn genetic diseases. Identifiers: MedGen C0950123, MeSH D030342.
Amyotrophic lateral sclerosis type 1 (ALS1). Also called: AMYOTROPHIC LATERAL SCLEROSIS 1, FAMILIAL. Identifiers: Orphanet 803, MedGen C1862939, MONDO:0007103, OMIM 105400.
Neuronopathy, distal hereditary motor, type 7B. Also called: NEURONOPATHY, DISTAL HEREDITARY MOTOR, AUTOSOMAL DOMINANT 14; NEURONOPATHY, DISTAL HEREDITARY MOTOR, HARDING TYPE VIIB; NEUROPATHY, DISTAL HEREDITARY MOTOR, HARDING TYPE VIIB; NEUROPATHY, DISTAL HEREDITARY MOTOR, WITH VOCAL CORD PARALYSIS, HARDING TYPE VIIB; HMN VIIB; LOWER MOTOR NEURON DISEASE, DYNACTIN TYPE. Identifiers: Orphanet 139589, MedGen C1843315, MONDO:0011879, OMIM 607641.
Perry syndrome. Also called: PARKINSONISM WITH ALVEOLAR HYPOVENTILATION AND MENTAL DEPRESSION. Identifiers: Orphanet 178509, MedGen C1868594, MONDO:0008201, OMIM 168605.

Allele frequency attached by ClinVar (database versions not stated): gnomAD exomes below 0.00001.

Submissions (2):

Labcorp Genetics (formerly Invitae), Labcorp
Classification: Uncertain significance for Amyotrophic lateral sclerosis type 1; Neuronopathy, distal hereditary motor, type 7B; Perry syndrome. Last evaluated: 2025-03-20. Review status: criteria provided, single submitter. Criteria: Invitae Variant Classification Sherloc (09022015). Collection method: clinical testing. Allele origin: germline.
Comment: This sequence change replaces proline, which is neutral and non-polar, with serine, which is neutral and polar, at codon 106 of the DCTN1 protein (p.Pro106Ser). This variant is not present in population databases (gnomAD no frequency). This variant has not been reported in the literature in individuals affected with DCTN1-related conditions. ClinVar contains an entry for this variant (Variation ID: 3080647). Invitae Evidence Modeling of protein sequence and biophysical properties (such as structural, functional, and spatial information, amino acid conservation, physicochemical variation, residue mobility, and thermodynamic stability) indicates that this missense variant is not expected to disrupt DCTN1 protein function with a negative predictive value of 95%. In summary, the available evidence is currently insufficient to determine the role of this variant in disease. Therefore, it has been classified as a Variant of Uncertain Significance.

Ambry Genetics
Classification: Uncertain significance for Inborn genetic diseases. Last evaluated: 2023-10-05. Review status: criteria provided, single submitter. Criteria: Ambry Variant Classification Scheme 2023. Collection method: clinical testing. Allele origin: germline.